The following is an entry in ClinVar:

NM_002458.3(MUC5B):c.11309T>C (p.Phe3770Ser)

Genes: MUC5B (mucin 5B, oligomeric mucus/gel-forming; plus strand), MUC5B-AS1 (MUC5B antisense RNA 1; minus strand). Cytogenetic location: 11p15.5.
Variant type: single nucleotide variant.
Coding change: c.11309T>C on transcript NM_002458.3 (MANE Select); coding-DNA position 11309, T replaced by C.
Protein change: p.Phe3770Ser; replaces phenylalanine 3770 with serine.
Molecular consequence: missense variant.
Genome position (GRCh38, 1-based): chr11:1,248,189, T>C. VCF-style: chr11-1248189-T-C. GRCh37 (hg19) VCF-style: chr11-1269419-T-C.
Other names: short protein forms F3770S.
Identifiers: ClinVar variation 3388008 (VCV003388008.14).

ClinVar aggregate classification (germline): Likely benign (1 of 4 stars; one submission).

Submission:

CeGaT Center for Human Genetics Tuebingen
Classification: Likely benign. Last evaluated: 2025-12-01. Review status: criteria provided, single submitter. Criteria: CeGaT Center For Human Genetics Tuebingen Variant Classification Criteria Version 2. Collection method: clinical testing. Allele origin: germline. Affected: yes. Observed: 5 variant alleles.
Comment: MUC5B: BP4, BS1